The following is an entry in ClinVar:

ClinVar aggregate classification (germline): Uncertain significance. Review status: criteria provided, multiple submitters, no conflicts (2 of 4 stars). 2 submissions from 2 submitters: Uncertain significance (2). Last evaluated 2021-08-30.

Allele frequency attached by ClinVar (database versions not stated): gnomAD exomes 0.00001; ExAC 0.00003; gnomAD 0.00003 and 0.00004; TOPMed 0.00006.
gnomAD v4.1: 20 of 1,606,020 alleles (0.0012%); highest among the groups gnomAD compares: African/African-American, 0.0094%; no homozygotes.

Submissions (2):

Labcorp Genetics (formerly Invitae), Labcorp
Classification: Uncertain significance. Last evaluated: 2021-08-30. Review status: criteria provided, single submitter. Criteria: Invitae Variant Classification Sherloc (09022015). Collection method: clinical testing. Allele origin: germline.
Comment: This sequence change replaces proline with leucine at codon 5 of the MERTK protein (p.Pro5Leu). The proline residue is weakly conserved and there is a moderate physicochemical difference between proline and leucine. The frequency data for this variant in the population databases is considered unreliable, as metrics indicate poor data quality at this position in the ExAC database. This variant has not been reported in the literature in individuals affected with MERTK-related conditions. Algorithms developed to predict the effect of missense changes on protein structure and function output the following: SIFT: "Tolerated"; PolyPhen-2: "Not Available"; Align-GVGD: "Class C0". The leucine amino acid residue is found in multiple mammalian species, which suggests that this missense change does not adversely affect protein function. In summary, the available evidence is currently insufficient to determine the role of this variant in disease. Therefore, it has been classified as a Variant of Uncertain Significance.

Blueprint Genetics
Classification: Uncertain significance. Last evaluated: 2018-08-08. Review status: criteria provided, single submitter. Criteria: ACMG Guidelines, 2015. Collection method: clinical testing. Allele origin: germline.

NM_006343.3(MERTK):c.14C>T (p.Pro5Leu)

Gene: MERTK (MER proto-oncogene, tyrosine kinase; plus strand). Cytogenetic location: 2q13.
Variant type: single nucleotide variant.
Coding change: c.14C>T on transcript NM_006343.3 (MANE Select); coding-DNA position 14, C replaced by T.
Protein change: p.Pro5Leu; replaces proline 5 with leucine.
Molecular consequence: missense variant.
Genome position (GRCh38, 1-based): chr2:111,898,749, C>T. VCF-style: chr2-111898749-C-T. GRCh37 (hg19) VCF-style: chr2-112656326-C-T.
Other names: short protein forms P5L.
Identifiers: ClinVar variation 1064131 (VCV001064131.7), dbSNP rs766821604, ClinGen allele CA1830942.